The following is an entry in ClinVar:

NM_000277.3(PAH):c.544G>A (p.Glu182Lys)

Gene: PAH (phenylalanine hydroxylase; minus strand). Cytogenetic location: 12q23.2.
Variant type: single nucleotide variant.
Coding change: c.544G>A on transcript NM_000277.3 (MANE Select); coding-DNA position 544, G replaced by A.
Protein change: p.Glu182Lys; replaces glutamic acid 182 with lysine.
Molecular consequence: missense variant.
Genome position (GRCh38, 1-based): chr12:102,855,298, C>T on the plus strand (G>A on the coding strand, the complement: PAH is on the minus strand). VCF-style: chr12-102855298-C-T. GRCh37 (hg19) VCF-style: chr12-103249076-C-T.
Other names: c.544G>A, p.Glu182Lys (NM_001354304.2); short protein forms E182K.
Identifiers: ClinVar variation 1075546 (VCV001075546.8), dbSNP rs2136649777, ClinGen allele CA16020813.

ClinVar aggregate classification (germline): Pathogenic. Review status: criteria provided, multiple submitters, no conflicts (2 of 4 stars). 2 submissions from 2 submitters: Pathogenic (2). Last evaluated 2022-11-02.

Conditions:
Phenylketonuria (PKU). Also called: Phenylketonurias; Phenylketonuria (PKU); OLIGOPHRENIA PHENYLPYRUVICA; FOLLING DISEASE. Identifiers: Orphanet 716, MedGen C0031485, MONDO:0009861, OMIM 261600. Disease mechanism: loss of function.

Submissions (2):

Baylor Genetics
Classification: Pathogenic for Phenylketonuria. Last evaluated: 2022-11-02. Review status: criteria provided, single submitter. Criteria: ACMG Guidelines, 2015. Collection method: clinical testing. Allele origin: unknown.

Labcorp Genetics (formerly Invitae), Labcorp
Classification: Pathogenic for Phenylketonuria. Last evaluated: 2020-11-20. Review status: criteria provided, single submitter. Criteria: Invitae Variant Classification Sherloc (09022015). Collection method: clinical testing. Allele origin: germline.
Comment: This sequence change replaces glutamic acid with lysine at codon 182 of the PAH protein (p.Glu182Lys). The glutamic acid residue is highly conserved and there is a small physicochemical difference between glutamic acid and lysine. This variant is not present in population databases (ExAC no frequency). This variant has been observed in individual(s) with hyperphenylalaninemia (PMID: 31355225). Advanced modeling of protein sequence and biophysical properties (such as structural, functional, and spatial information, amino acid conservation, physicochemical variation, residue mobility, and thermodynamic stability) performed at Invitae indicates that this missense variant is expected to disrupt PAH protein function. This variant disrupts the p.Glu182 amino acid residue in PAH. Other variant(s) that disrupt this residue have been determined to be pathogenic (PMID: 26542770). This suggests that this residue is clinically significant, and that variants that disrupt this residue are likely to be disease-causing. For these reasons, this variant has been classified as Pathogenic.

Literature cited by the submitters: PubMed 31355225 (cited by Labcorp Genetics (formerly Invitae), Labcorp); PubMed 26542770 (cited by Labcorp Genetics (formerly Invitae), Labcorp).